The following is an entry in ClinVar:

ClinVar aggregate classification (germline): Benign/Likely benign. Review status: criteria provided, multiple submitters, no conflicts (2 of 4 stars). 6 submissions from 6 submitters: Benign (1); Likely benign (5). Last evaluated 2025-11-09.

Conditions:
Hereditary cancer-predisposing syndrome. Also called: Tumor predisposition; Hereditary Cancer Syndrome; Hereditary neoplastic syndrome; Neoplastic Syndromes, Hereditary. Identifiers: Orphanet 140162, MedGen C0027672, MeSH D009386, MONDO:0015356.
Familial cancer of breast. Also called: BREAST CANCER, FAMILIAL; hereditary breast carcinoma; Hereditary breast cancer. Identifiers: Orphanet 227535, MedGen C0346153, MONDO:0016419, OMIM 114480. Disease mechanism: loss of function.
Fanconi anemia complementation group J. Also called: BRIP1-Related Fanconi Anemia. Identifiers: Orphanet 84, MedGen C1836860, MONDO:0012187, OMIM 609054.

Allele frequency attached by ClinVar (database versions not stated): gnomAD 0.00001; gnomAD exomes 0.00001; ExAC 0.00002; ESP Exome Variant Server 0.00008.
gnomAD v4.1: 14 of 1,613,934 alleles (0.00087%); highest among the groups gnomAD compares: Admixed American, 0.0017%; no homozygotes.

Submissions (6):

Labcorp Genetics (formerly Invitae), Labcorp
Classification: Likely benign for Familial cancer of breast; Fanconi anemia complementation group J. Last evaluated: 2025-11-09. Review status: criteria provided, single submitter. Criteria: Invitae Variant Classification Sherloc (09022015). Collection method: clinical testing. Allele origin: germline.

Myriad Genetics, Inc.
Classification: Benign for Familial cancer of breast. Last evaluated: 2024-09-10. Review status: criteria provided, single submitter. Criteria: Myriad Autosomal Dominant, Autosomal Recessive and X-Linked Classification Criteria (2023). Collection method: clinical testing. Allele origin: unknown.
Comment: This variant is considered benign. This variant is a silent/synonymous amino acid change and it is not expected to impact splicing.

KCCC/NGS Laboratory, Kuwait Cancer Control Center
Classification: Likely benign for Familial cancer of breast. Last evaluated: 2023-07-07. Review status: criteria provided, single submitter. Criteria: ACMG Guidelines, 2015. Collection method: clinical testing. Allele origin: germline. Affected: yes.

Ambry Genetics
Classification: Likely benign for Hereditary cancer-predisposing syndrome. Last evaluated: 2019-02-09. Review status: criteria provided, single submitter. Criteria: Ambry Variant Classification Scheme 2023. Collection method: clinical testing. Allele origin: germline.

Color Diagnostics, LLC DBA Color Health
Classification: Likely benign for Hereditary cancer-predisposing syndrome. Last evaluated: 2017-01-17. Review status: criteria provided, single submitter. Criteria: ACMG Guidelines, 2015. Collection method: clinical testing. Allele origin: germline.

GeneDx
Classification: Likely benign. Last evaluated: 2016-02-23. Review status: criteria provided, single submitter. Criteria: GeneDx Variant Classification (06012015). Collection method: clinical testing. Allele origin: germline. Affected: yes.
Comment: This variant is considered likely benign or benign based on one or more of the following criteria: it is a conservative change, it occurs at a poorly conserved position in the protein, it is predicted to be benign by multiple in silico algorithms, and/or has population frequency not consistent with disease.

NM_032043.3(BRIP1):c.3276G>A (p.Pro1092=)

Gene: BRIP1 (BRCA1 interacting DNA helicase 1; minus strand). Cytogenetic location: 17q23.2.
Variant type: single nucleotide variant.
Coding change: c.3276G>A on transcript NM_032043.3 (MANE Select); coding-DNA position 3276, G replaced by A.
Protein change: p.Pro1092=; no amino-acid change (proline 1092 retained).
Molecular consequence: synonymous variant.
Genome position (GRCh38, 1-based): chr17:61,683,770, C>T on the plus strand (G>A on the coding strand, the complement: BRIP1 is on the minus strand). VCF-style: chr17-61683770-C-T. GRCh37 (hg19) VCF-style: chr17-59761131-C-T.
Identifiers: ClinVar variation 184686 (VCV000184686.20), dbSNP rs375911315, ClinGen allele CA189699.